The following is an entry in ClinVar:

NM_058216.3(RAD51C):c.272T>C (p.Leu91Pro)

Gene: RAD51C (RAD51 paralog C; plus strand). Cytogenetic location: 17q22.
Variant type: single nucleotide variant.
Coding change: c.272T>C on transcript NM_058216.3 (MANE Select); coding-DNA position 272, T replaced by C.
Protein change: p.Leu91Pro; replaces leucine 91 with proline.
Molecular consequence: missense variant. On other transcripts: non-coding transcript variant (2).
Genome position (GRCh38, 1-based): chr17:58,695,057, T>C. VCF-style: chr17-58695057-T-C. GRCh37 (hg19) VCF-style: chr17-56772418-T-C.
Other names: c.272T>C, p.Leu91Pro (NM_002876.4); short protein forms L91P.
Identifiers: ClinVar variation 480522 (VCV000480522.5), dbSNP rs1555593658, ClinGen allele CA400340698.

ClinVar aggregate classification (germline): Uncertain significance (1 of 4 stars; one submission).

Conditions:
Hereditary cancer-predisposing syndrome. Also called: Hereditary Cancer Syndrome; Neoplastic Syndromes, Hereditary; Tumor predisposition; Hereditary neoplastic syndrome. Identifiers: Orphanet 140162, MedGen C0027672, MeSH D009386, MONDO:0015356.

Allele frequency attached by ClinVar (database versions not stated): gnomAD exomes below 0.00001.

Submission:

Ambry Genetics
Classification: Uncertain significance for Hereditary cancer-predisposing syndrome. Last evaluated: 2022-09-16. Review status: criteria provided, single submitter. Criteria: Ambry Variant Classification Scheme 2023. Collection method: clinical testing. Allele origin: germline.
Comment: The p.L91P variant (also known as c.272T>C), located in coding exon 2 of the RAD51C gene, results from a T to C substitution at nucleotide position 272. The leucine at codon 91 is replaced by proline, an amino acid with similar properties. This amino acid position is highly conserved in available vertebrate species. In addition, this alteration is predicted to be deleterious by in silico analysis. Since supporting evidence is limited at this time, the clinical significance of this alteration remains unclear.